The following is an entry in ClinVar:

NM_000393.5(COL5A2):c.3698T>C (p.Leu1233Pro)

Gene: COL5A2 (collagen type V alpha 2 chain; minus strand). Cytogenetic location: 2q32.2.
Variant type: single nucleotide variant.
Coding change: c.3698T>C on transcript NM_000393.5 (MANE Select); coding-DNA position 3698, T replaced by C.
Protein change: p.Leu1233Pro; replaces leucine 1233 with proline.
Molecular consequence: missense variant.
Genome position (GRCh38, 1-based): chr2:189,039,499, A>G on the plus strand (T>C on the coding strand, the complement: COL5A2 is on the minus strand). VCF-style: chr2-189039499-A-G. GRCh37 (hg19) VCF-style: chr2-189904225-A-G.
Other names: short protein forms L1233P.
Identifiers: ClinVar variation 4687836 (VCV004687836.1).
Genomic context (GRCh38, chr2:189,039,499, plus strand): 5'-TCAGTAAACTCAGGAAGTGGATCTGGCATGCTTTCATCATAGTGCCCCATGATATCCCCA[A>G]GAGCAGCTGTAAGGTGGCCAGGGGGACCCGGAGGGCCAGGTGGGCCAGGCTCACCAGGAG-3'
Protein context (NP_000384.2, residues 1223-1243): PGPPGHLTAA[Leu1233Pro]GDIMGHYDES

ClinVar aggregate classification (germline): Uncertain significance (1 of 4 stars; one submission).

Submission:

Women's Health and Genetics/Laboratory Corporation of America, LabCorp
Classification: Uncertain significance. Last evaluated: 2025-10-22. Review status: criteria provided, single submitter. Criteria: LabCorp Variant Classification Summary - May 2015. Collection method: clinical testing. Allele origin: germline.
Comment: Variant summary: COL5A2 c.3698T>C (p.Leu1233Pro) results in a non-conservative amino acid change in the encoded protein sequence. Algorithms developed to predict the effect of missense changes on protein structure and function are either unavailable or do not agree on the potential impact of this missense change. The variant was absent in 250770 control chromosomes. The available data on variant occurrences in the general population are insufficient to allow any conclusion about variant significance. To our knowledge, no occurrence of c.3698T>C in individuals affected with COL5A2-related conditions and no experimental evidence demonstrating its impact on protein function have been reported. No submitters have cited clinical-significance assessments for this variant to ClinVar. Based on the evidence outlined above, the variant was classified as uncertain significance.